The following is an entry in ClinVar:

NM_001378615.1(CC2D2A):c.2487-292A>G

Genes: CC2D2A (coiled-coil and C2 domain containing 2A; plus strand), FBXL5 (F-box and leucine rich repeat protein 5; minus strand). Cytogenetic location: 4p15.32.
Variant type: single nucleotide variant.
Coding change: c.2487-292A>G on transcript NM_001378615.1 (MANE Select); 292 bases into the intron before coding-DNA position 2487, A replaced by G.
Molecular consequence: intron variant.
Genome position (GRCh38, 1-based): chr4:15,554,780, A>G. VCF-style: chr4-15554780-A-G. GRCh37 (hg19) VCF-style: chr4-15556403-A-G.
Other names: c.2487-292A>G (NM_001080522.2); c.2340-292A>G (NM_001378617.1).
Identifiers: ClinVar variation 668885 (VCV000668885.1), dbSNP rs3822298, ClinGen allele CA15326636.
Genomic context (GRCh38, chr4:15,554,780, plus strand): 5'-GCTATAGTGGGCCCCAGTGGCCTGGGATGTGAGGCTTTGTGGGCTTCCAGCACCAGATAC[A>G]GAGGCCCCTCTTCACTGGCCAGAATCCAGGGACCAAGGGGCACTTTTATGCACTGGACAG-3'

ClinVar aggregate classification (germline): Benign (1 of 4 stars; one submission).

Allele frequency attached by ClinVar (database versions not stated): TOPMed 0.26922; gnomAD 0.27067 and 0.27451; 1000 Genomes Project 30x 0.29263; 1000 Genomes Project 0.30032.
gnomAD v4.1: 41,688 of 152,164 alleles (27%); highest among the groups gnomAD compares: East Asian, 46%; 5,936 homozygotes.

Submission:

GeneDx
Classification: Benign. Last evaluated: 2018-06-19. Review status: criteria provided, single submitter. Criteria: GeneDx Variant Classification (06012015). Collection method: clinical testing. Allele origin: germline. Affected: yes.
Comment: This variant is considered likely benign or benign based on one or more of the following criteria: it is a conservative change, it occurs at a poorly conserved position in the protein, it is predicted to be benign by multiple in silico algorithms, and/or has population frequency not consistent with disease.